The following is an entry in ClinVar:

NM_152703.5(SAMD9L):c.3564A>G (p.Arg1188=)

Gene: SAMD9L (sterile alpha motif domain containing 9 like; minus strand). Cytogenetic location: 7q21.2.
Variant type: single nucleotide variant.
Coding change: c.3564A>G on transcript NM_152703.5 (MANE Select); coding-DNA position 3564, A replaced by G.
Protein change: p.Arg1188=; no amino-acid change (arginine 1188 retained).
Molecular consequence: synonymous variant.
Genome position (GRCh38, 1-based): chr7:93,132,408, T>C on the plus strand (A>G on the coding strand, the complement: SAMD9L is on the minus strand). VCF-style: chr7-93132408-T-C. GRCh37 (hg19) VCF-style: chr7-92761721-T-C.
Other names: c.3564A>G, p.Arg1188= (NM_001303496.3, NM_001303497.3, NM_001303498.3 and 5 more transcripts); c.3564A>G (NM_152703.2, NM_152703.3).
Identifiers: ClinVar variation 1417967 (VCV001417967.10), dbSNP rs1408841052, ClinGen allele CA456628143.

ClinVar aggregate classification (germline): Likely benign. Review status: criteria provided, multiple submitters, no conflicts (2 of 4 stars). 3 submissions from 3 submitters: Likely benign (3). Last evaluated 2026-08-05.

Conditions:
Inborn genetic diseases. Identifiers: MedGen C0950123, MeSH D030342.
SAMD9L-related disorder. Also called: SAMD9L-related disorders; SAMD9L-related condition.

Allele frequency attached by ClinVar (database versions not stated): gnomAD exomes below 0.00001; TOPMed below 0.00001; gnomAD 0.00001.
gnomAD v4.1: 7 of 1,613,782 alleles (0.00043%); highest among the groups gnomAD compares: Non-Finnish European, 0.00059%; no homozygotes.

Submissions (3):

PreventionGenetics, part of Exact Sciences
Classification: Likely benign for SAMD9L-related condition. Last evaluated: 2026-08-05. Review status: criteria provided, single submitter. Criteria: ACMG Guidelines, 2015. Collection method: clinical testing. Allele origin: germline.
Comment: This variant is classified as likely benign based on ACMG/AMP sequence variant interpretation guidelines (Richards et al. 2015 PMID: 25741868, with internal and published modifications).

Labcorp Genetics (formerly Invitae), Labcorp
Classification: Likely benign. Last evaluated: 2025-11-06. Review status: criteria provided, single submitter. Criteria: Invitae Variant Classification Sherloc (09022015). Collection method: clinical testing. Allele origin: germline.

Ambry Genetics
Classification: Likely benign for Inborn genetic diseases. Last evaluated: 2025-03-05. Review status: criteria provided, single submitter. Criteria: Ambry Variant Classification Scheme 2023. Collection method: clinical testing. Allele origin: germline.